The following is an entry in ClinVar:

NM_130811.4(SNAP25):c.164-252del

Gene: SNAP25 (synaptosome associated protein 25; plus strand). Cytogenetic location: 20p12.2.
Variant type: Deletion.
Coding change: c.164-252del on transcript NM_130811.4 (MANE Select); 252 bases into the intron before coding-DNA position 164, one base deleted (T; older notation c.164-252delT).
Molecular consequence: intron variant. On other transcripts: frameshift variant (2).
Genome position (GRCh38, 1-based): chr20:10,292,909, T deleted. VCF-style (leftmost placement, unchanged base first): chr20-10292908-AT-A. GRCh37 (hg19) VCF-style: chr20-10273556-AT-A.
Other names: c.191del, p.Met64fs (NM_001322902.2, NM_003081.5); c.164-252del (NM_001322907.2, NM_001322910.2, NM_001322904.2 and 5 more transcripts); short protein forms M64fs.
Identifiers: ClinVar variation 1708244 (VCV001708244.2), dbSNP rs2514833199, ClinGen allele CA2580097838.
Genomic context (GRCh38, chr20:10,292,908, plus strand): 5'-TCATTCCACACTGTCATCCCTTTGTCCTAACCAGAACAACTCGATCGTGTCGAAGAAGGC[AT>A]GAACCATATCAACCAAGACATGAAGGAGGCTGAGAAAAATTTAAAAGATTTAGGGAAATG-3'

ClinVar aggregate classification (germline): Likely pathogenic (1 of 4 stars; one submission).

Conditions:
Presynaptic congenital myasthenic syndrome. Also called: Presynaptic congenital myasthenic syndromes. Identifiers: Orphanet 98914, MedGen C0751884, MONDO:0700466, MONDO:0020345.

Submission:

Genetics Laboratory, UDIAT-Centre Diagnòstic, Hospital Universitari Parc Tauli
Classification: Likely pathogenic for Presynaptic congenital myasthenic syndrome. Last evaluated: 2022-10-04. Review status: criteria provided, single submitter. Criteria: Parc Tauli Hospital Assertion Criteria 2021. Collection method: clinical testing. Allele origin: inherited. Inheritance: Autosomal dominant inheritance. Affected: yes.
Comment: PVS1;PM3_supporting;PM2_supporting